The following is an entry in ClinVar:

ClinVar aggregate classification (germline): Uncertain significance (1 of 4 stars; one submission).

Conditions:
Cardiovascular phenotype. Identifiers: MedGen CN230736.

Allele frequency attached by ClinVar (database versions not stated): gnomAD exomes 0.00001; TOPMed 0.00001.
gnomAD v4.1: 13 of 1,613,082 alleles (0.00081%); highest among the groups gnomAD compares: Non-Finnish European, 0.0011%; no homozygotes.

Submission:

Ambry Genetics
Classification: Uncertain significance for Cardiovascular phenotype. Last evaluated: 2023-09-07. Review status: criteria provided, single submitter. Criteria: Ambry Variant Classification Scheme 2023. Collection method: clinical testing. Allele origin: germline.
Comment: The p.L2162Q variant (also known as c.6485T>A), located in coding exon 8 of the ALMS1 gene, results from a T to A substitution at nucleotide position 6485. The leucine at codon 2162 is replaced by glutamine, an amino acid with dissimilar properties. This amino acid position is poorly conserved in available vertebrate species. In addition, this alteration is predicted to be tolerated by in silico analysis. Since supporting evidence is limited at this time, the clinical significance of this alteration remains unclear.

NM_001378454.1(ALMS1):c.6482T>A (p.Leu2161Gln)

Gene: ALMS1 (ALMS1 centrosome and basal body associated protein; plus strand). Cytogenetic location: 2p13.1.
Variant type: single nucleotide variant.
Coding change: c.6482T>A on transcript NM_001378454.1 (MANE Select); coding-DNA position 6482, T replaced by A.
Protein change: p.Leu2161Gln; replaces leucine 2161 with glutamine.
Molecular consequence: missense variant.
Genome position (GRCh38, 1-based): chr2:73,453,009, T>A. VCF-style: chr2-73453009-T-A. GRCh37 (hg19) VCF-style: chr2-73680136-T-A.
Other names: c.6485T>A, p.Leu2162Gln (NM_015120.4); short protein forms L2161Q, L2162Q.
Identifiers: ClinVar variation 2624547 (VCV002624547.2), dbSNP rs1192168909, ClinGen allele CA347288034.
Genomic context (GRCh38, chr2:73,453,009, plus strand): 5'-CCTTTTCACATCGAGAGAAACCAGATATTTTCTATCAAAAGGATTTGCCAGATAGACATC[T>A]AACTGAAGATGCTCTAAAGATCTCAAGTGCTCTTGGGCAAGCTGATCAAATTACCGGATT-3'
Protein context (NP_001365383.1, residues 2151-2171): FYQKDLPDRH[Leu2161Gln]TEDALKISSA